The following is an entry in ClinVar:

NM_003126.4(SPTA1):c.793A>G (p.Asn265Asp)

Gene: SPTA1 (spectrin alpha, erythrocytic 1; minus strand). Cytogenetic location: 1q23.1.
Variant type: single nucleotide variant.
Coding change: c.793A>G on transcript NM_003126.4 (MANE Select); coding-DNA position 793, A replaced by G.
Protein change: p.Asn265Asp; replaces asparagine 265 with aspartic acid.
Molecular consequence: missense variant.
Genome position (GRCh38, 1-based): chr1:158,678,420, T>C on the plus strand (A>G on the coding strand, the complement: SPTA1 is on the minus strand). VCF-style: chr1-158678420-T-C. GRCh37 (hg19) VCF-style: chr1-158648210-T-C.
Other names: short protein forms N265D.
Identifiers: ClinVar variation 293048 (VCV000293048.53), dbSNP rs183647059, ClinGen allele CA1184034.

ClinVar aggregate classification (germline): Conflicting classifications of pathogenicity. Review status: criteria provided, conflicting classifications (1 of 4 stars). 6 submissions from 4 submitters: Uncertain significance (2); Benign (1); Likely benign (3). Last evaluated 2026-01-11.

Conditions:
Hereditary spherocytosis type 3. Also called: SPTA1-Related Spherocytosis; Spherocytosis type 3. Identifiers: Orphanet 822, MedGen C2678338, MONDO:0010053, OMIM 270970.
Elliptocytosis 2 (EL2). Also called: ELLIPTOCYTOSIS, RHESUS-UNLINKED TYPE. Identifiers: Orphanet 288, MedGen C1851741, MONDO:0007533, OMIM 130600.
Pyropoikilocytosis, hereditary. Also called: Pyropoikilocytosis. Identifiers: MedGen C0520739, MONDO:0009948, OMIM 266140, HP:0004839. Disease mechanism: loss of function.

Allele frequency attached by ClinVar (database versions not stated): 1000 Genomes Project 30x 0.00062; 1000 Genomes Project 0.00080; ESP Exome Variant Server 0.00167; TOPMed 0.00179; gnomAD 0.00268 and 0.00307; gnomAD exomes 0.00281 and 0.00299; ExAC 0.00285.
gnomAD v4.1: 4,518 of 1,613,712 alleles (0.28%); highest among the groups gnomAD compares: Non-Finnish European, 0.28%; 21 homozygotes.

Submissions (6):

Labcorp Genetics (formerly Invitae), Labcorp
Classification: Benign. Last evaluated: 2026-01-11. Review status: criteria provided, single submitter. Criteria: Invitae Variant Classification Sherloc (09022015). Collection method: clinical testing. Allele origin: germline.

CeGaT Center for Human Genetics Tuebingen
Classification: Likely benign. Last evaluated: 2024-10-01. Review status: criteria provided, single submitter. Criteria: CeGaT Center For Human Genetics Tuebingen Variant Classification Criteria Version 2. Collection method: clinical testing. Allele origin: germline. Affected: yes. Observed: 7 variant alleles.
Comment: SPTA1: BP4, BS2

ARUP Laboratories, Molecular Genetics and Genomics, ARUP Laboratories
Classification: Likely benign. Last evaluated: 2024-08-07. Review status: criteria provided, single submitter. Criteria: ARUP Molecular Germline Variant Investigation Process 2024. Collection method: clinical testing. Allele origin: germline.

Illumina Laboratory Services, Illumina
Classification: Uncertain significance for Pyropoikilocytosis, hereditary. Last evaluated: 2018-01-13. Review status: criteria provided, single submitter. Criteria: ICSL Variant Classification Criteria 13 December 2019. Collection method: clinical testing. Allele origin: germline.

Illumina Laboratory Services, Illumina
Classification: Likely benign for Elliptocytosis 2. Last evaluated: 2018-01-13. Review status: criteria provided, single submitter. Criteria: ICSL Variant Classification Criteria 13 December 2019. Collection method: clinical testing. Allele origin: germline.
Comment: This variant was observed in the ICSL laboratory as part of a predisposition screen in an ostensibly healthy population. It had not been previously curated by ICSL or reported in the Human Gene Mutation Database (HGMD: prior to June 1st, 2018), and was therefore a candidate for classification through an automated scoring system. Utilizing variant allele frequency, disease prevalence and penetrance estimates, and inheritance mode, an automated score was calculated to assess if this variant is too frequent to cause the disease. Based on the score and internal cut-off values, a variant classified as likely benign is not then subjected to further curation. The score for this variant resulted in a classification of likely benign for this disease.

Illumina Laboratory Services, Illumina
Classification: Uncertain significance for Hereditary spherocytosis type 3. Last evaluated: 2018-01-13. Review status: criteria provided, single submitter. Criteria: ICSL Variant Classification Criteria 13 December 2019. Collection method: clinical testing. Allele origin: germline.